The following is an entry in ClinVar:

ClinVar aggregate classification (germline): Uncertain significance. Review status: criteria provided, multiple submitters, no conflicts (2 of 4 stars). 2 submissions from 2 submitters: Uncertain significance (2). Last evaluated 2025-03-16.

Conditions:
Autosomal dominant limb-girdle muscular dystrophy type 1G (LGMDD3). Also called: Limb-girdle muscular dystrophy, type 1G; MUSCULAR DYSTROPHY, LIMB-GIRDLE, AUTOSOMAL DOMINANT 3. Identifiers: Orphanet 55596, MedGen C1836765, MONDO:0012193, OMIM 609115.

Submissions (2):

Labcorp Genetics (formerly Invitae), Labcorp
Classification: Uncertain significance for Autosomal dominant limb-girdle muscular dystrophy type 1G. Last evaluated: 2025-03-16. Review status: criteria provided, single submitter. Criteria: Invitae Variant Classification Sherloc (09022015). Collection method: clinical testing. Allele origin: germline.
Comment: This variant, c.980_1000del, results in the deletion of 7 amino acid(s) of the HNRNPDL protein (p.Ala327_Gly333del), but otherwise preserves the integrity of the reading frame. This variant is not present in population databases (gnomAD no frequency). This variant has not been reported in the literature in individuals affected with HNRNPDL-related conditions. ClinVar contains an entry for this variant (Variation ID: 992277). Experimental studies and prediction algorithms are not available or were not evaluated, and the functional significance of this variant is currently unknown. In summary, the available evidence is currently insufficient to determine the role of this variant in disease. Therefore, it has been classified as a Variant of Uncertain Significance.

Greenwood Genetic Center Diagnostic Laboratories, Greenwood Genetic Center
Classification: Uncertain significance. Last evaluated: 2020-08-04. Review status: criteria provided, single submitter. Criteria: ACMG Guidelines, 2015. Collection method: clinical testing. Allele origin: germline. Affected: yes.

NM_031372.4(HNRNPDL):c.980_1000del (p.Ala327_Gly333del)

Gene: HNRNPDL (heterogeneous nuclear ribonucleoprotein D like; minus strand). Cytogenetic location: 4q21.22.
Variant type: Deletion.
Coding change: c.980_1000del on transcript NM_031372.4 (MANE Select); coding-DNA positions 980 to 1000, 21 bases deleted (CTGCAGCTGGTGGACGAGGTG).
Protein change: p.Ala327_Gly333del.
Molecular consequence: inframe deletion. On other transcripts: non-coding transcript variant (1).
Genome position (GRCh38, 1-based): chr4:82,427,211-82,427,231, CACCTCGTCCACCAGCTGCAG deleted on the plus strand (CTGCAGCTGGTGGACGAGGTG on the coding strand, the reverse complement: HNRNPDL is on the minus strand); deleting any 21 consecutive bases within chr4:82,427,211-82,427,237 gives the same sequence; the c. name uses the placement nearest the transcript's 3' end. VCF-style (leftmost placement, unchanged base first): chr4-82427210-CCACCTCGTCCACCAGCTGCAG-C. GRCh37 (hg19) VCF-style: chr4-83348363-CCACCTCGTCCACCAGCTGCAG-C.
Other names: c.980_1000del, p.Ala327_Gly333del (NM_001207000.1).
Identifiers: ClinVar variation 992277 (VCV000992277.6), dbSNP rs752233461, ClinGen allele CA2984813.